The following is an entry in ClinVar:

ClinVar aggregate classification (germline): Uncertain significance. Review status: criteria provided, multiple submitters, no conflicts (2 of 4 stars). 2 submissions from 2 submitters: Uncertain significance (2). Last evaluated 2026-02-25.

Conditions:
Cardiovascular phenotype. Identifiers: MedGen CN230736.

gnomAD v4.1: 13 of 1,464,808 alleles (0.00089%); highest among the groups gnomAD compares: Middle Eastern, 0.02%; no homozygotes.

Submissions (2):

GeneDx
Classification: Uncertain significance. Last evaluated: 2026-02-25. Review status: criteria provided, single submitter. Criteria: GeneDx Variant Classification Process June 2021. Collection method: clinical testing. Allele origin: germline.
Comment: Not observed at significant frequency in large population cohorts (gnomAD); In silico analysis supports that this missense variant has a deleterious effect on protein structure/function; Has not been previously published as pathogenic or benign to our knowledge

Ambry Genetics
Classification: Uncertain significance for Cardiovascular phenotype. Last evaluated: 2025-12-02. Review status: criteria provided, single submitter. Criteria: Ambry Variant Classification Scheme 2023. Collection method: clinical testing. Allele origin: germline.
Comment: The p.A3251V variant (also known as c.9752C>T) is located in coding exon 28 of the TNXB gene. The alanine at codon 3251 is replaced by valine, an amino acid with similar properties. This change occurs in the first base pair of coding exon 28. This amino acid position is conserved. In addition, this alteration is predicted to be tolerated by in silico analysis. Based on the available evidence, the clinical significance of this variant remains unclear.

NM_001365276.2(TNXB):c.9758C>T (p.Ala3253Val)

Gene: TNXB (tenascin XB; minus strand). Cytogenetic location: 6p21.33.
Variant type: single nucleotide variant.
Coding change: c.9758C>T on transcript NM_001365276.2 (MANE Select); coding-DNA position 9758, C replaced by T.
Protein change: p.Ala3253Val; replaces alanine 3253 with valine.
Molecular consequence: missense variant.
Genome position (GRCh38, 1-based): chr6:32,048,650, G>A on the plus strand (C>T on the coding strand, the complement: TNXB is on the minus strand). VCF-style: chr6-32048650-G-A. GRCh37 (hg19) VCF-style: chr6-32016427-G-A.
Other names: c.10499C>T, p.Ala3500Val (NM_001428335.1); c.9752C>T, p.Ala3251Val (NM_019105.8); short protein forms A3500V, A3253V, A3251V.
Identifiers: ClinVar variation 4615191 (VCV004615191.2).